The following is an entry in ClinVar:

ClinVar aggregate classification (germline): Uncertain significance (1 of 4 stars; one submission).

Conditions:
Kabuki syndrome. Also called: NIIKAWA-KUROKI SYNDROME; Kabuki make-up syndrome. Identifiers: Orphanet 2322, MedGen C0796004, MONDO:0016512.

Submission:

Labcorp Genetics (formerly Invitae), Labcorp
Classification: Uncertain significance for Kabuki syndrome. Last evaluated: 2025-04-11. Review status: criteria provided, single submitter. Criteria: Invitae Variant Classification Sherloc (09022015). Collection method: clinical testing. Allele origin: germline.
Comment: This sequence change replaces serine, which is neutral and polar, with threonine, which is neutral and polar, at codon 1982 of the KMT2D protein (p.Ser1982Thr). This variant is not present in population databases (gnomAD no frequency). This variant has not been reported in the literature in individuals affected with KMT2D-related conditions. Invitae Evidence Modeling of protein sequence and biophysical properties (such as structural, functional, and spatial information, amino acid conservation, physicochemical variation, residue mobility, and thermodynamic stability) indicates that this missense variant is not expected to disrupt KMT2D protein function with a negative predictive value of 95%. In summary, the available evidence is currently insufficient to determine the role of this variant in disease. Therefore, it has been classified as a Variant of Uncertain Significance.

NM_003482.4(KMT2D):c.5944T>A (p.Ser1982Thr)

Gene: KMT2D (lysine methyltransferase 2D; minus strand). Cytogenetic location: 12q13.12.
Variant type: single nucleotide variant.
Coding change: c.5944T>A on transcript NM_003482.4 (MANE Select); coding-DNA position 5944, T replaced by A.
Protein change: p.Ser1982Thr; replaces serine 1982 with threonine.
Molecular consequence: missense variant.
Genome position (GRCh38, 1-based): chr12:49,042,254, A>T on the plus strand (T>A on the coding strand, the complement: KMT2D is on the minus strand). VCF-style: chr12-49042254-A-T. GRCh37 (hg19) VCF-style: chr12-49436037-A-T.
Other names: short protein forms S1982T.
Identifiers: ClinVar variation 4760846 (VCV004760846.1).
Genomic context (GRCh38, chr12:49,042,254, plus strand): 5'-TCCGCTGGTTATAGGAGAGTCCGTCGCCCTCACCCTCCGTGGTGGGGGTTGTGGGGGTGG[A>T]GGGCGTGGTGCCACCTGAGCCCGTCCAGGGGCTGTCGGGCTCACCGGGTTCCGGGCTAAA-3'
Protein context (NP_003473.3, residues 1972-1992): PWTGSGGTTP[Ser1982Thr]TPTTPTTEGE